The following is an entry in ClinVar:

ClinVar aggregate classification (germline): Uncertain significance (1 of 4 stars; one submission).

Conditions:
Aortic aneurysm, familial thoracic 7 (AAT7). Also called: AORTIC DISSECTION, FAMILIAL, WITH OR WITHOUT AORTIC ANEURYSM. Identifiers: MedGen C3151077, MONDO:0013418, OMIM 613780.

gnomAD v4.1: 2 of 1,614,020 alleles (0.00012%); highest among the groups gnomAD compares: Non-Finnish European, 0.00017%; no homozygotes.

Submission:

Labcorp Genetics (formerly Invitae), Labcorp
Classification: Uncertain significance for Aortic aneurysm, familial thoracic 7. Last evaluated: 2024-12-18. Review status: criteria provided, single submitter. Criteria: Invitae Variant Classification Sherloc (09022015). Collection method: clinical testing. Allele origin: germline.
Comment: This sequence change falls in intron 15 of the MYLK gene. It does not directly change the encoded amino acid sequence of the MYLK protein. It affects a nucleotide within the consensus splice site. This variant is present in population databases (rs758546370, gnomAD 0.0009%). This variant has not been reported in the literature in individuals affected with MYLK-related conditions. Variants that disrupt the consensus splice site are a relatively common cause of aberrant splicing (PMID: 17576681, 9536098). Algorithms developed to predict the effect of sequence changes on RNA splicing suggest that this variant may disrupt the consensus splice site. In summary, the available evidence is currently insufficient to determine the role of this variant in disease. Therefore, it has been classified as a Variant of Uncertain Significance.

Literature cited by the submitters: PubMed 17576681; PubMed 9536098.

NM_053025.4(MYLK):c.2140+5G>A

Gene: MYLK (myosin light chain kinase; minus strand). Cytogenetic location: 3q21.1.
Variant type: single nucleotide variant.
Coding change: c.2140+5G>A on transcript NM_053025.4 (MANE Select); 5 bases into the intron after coding-DNA position 2140, G replaced by A.
Molecular consequence: intron variant.
Genome position (GRCh38, 1-based): chr3:123,708,693, C>T on the plus strand (G>A on the coding strand, the complement: MYLK is on the minus strand). VCF-style: chr3-123708693-C-T. GRCh37 (hg19) VCF-style: chr3-123427540-C-T.
Other names: c.1612+5G>A (NM_001321309.2); c.1933+5G>A (NM_053028.4, NM_053026.4); c.2140+5G>A (NM_053027.4).
Identifiers: ClinVar variation 3704953 (VCV003704953.2).